The following is an entry in ClinVar:

ClinVar aggregate classification (germline): Uncertain significance. Review status: criteria provided, multiple submitters, no conflicts (2 of 4 stars). 4 submissions from 4 submitters: Uncertain significance (3). 1 of the submissions does not count toward it. Last evaluated 2025-04-16.

Conditions:
Usher syndrome type 1 (USH1). Also called: RETINITIS PIGMENTOSA AND CONGENITAL DEAFNESS. Identifiers: Orphanet 231169, Orphanet 886, MedGen C1568247, MONDO:0010168, OMIM 276900.
Autosomal recessive nonsyndromic hearing loss 12. Also called: DEAFNESS, AUTOSOMAL RECESSIVE 12. Identifiers: Orphanet 90636, MedGen C1832394, MONDO:0011067, OMIM 601386.
Usher syndrome type 1D (USH1D). Also called: USHER SYNDROME, TYPE ID. Identifiers: Orphanet 231169, Orphanet 886, MedGen C1832845, MONDO:0010984, OMIM 601067.
Pituitary adenoma 5, multiple types. Identifiers: MedGen C4539685, MONDO:0054601, OMIM 617540.

Allele frequency attached by ClinVar (database versions not stated): gnomAD 0.00001 and 0.00004; TOPMed 0.00002; gnomAD exomes 0.00008; ExAC 0.00009.
gnomAD v4.1: 89 of 1,611,790 alleles (0.0055%); highest among the groups gnomAD compares: South Asian, 0.06%; 2 homozygotes.

Submissions (4):

GeneDx
Classification: Uncertain significance. Last evaluated: 2025-04-16. Review status: criteria provided, single submitter. Criteria: GeneDx Variant Classification Process June 2021. Collection method: clinical testing. Allele origin: germline. Affected: yes.
Comment: In silico analysis supports that this missense variant has a deleterious effect on protein structure/function; Has not been previously published as pathogenic or benign to our knowledge

Labcorp Genetics (formerly Invitae), Labcorp
Classification: Uncertain significance. Last evaluated: 2024-11-05. Review status: criteria provided, single submitter. Criteria: Invitae Variant Classification Sherloc (09022015). Collection method: clinical testing. Allele origin: germline.
Comment: This sequence change replaces arginine, which is basic and polar, with histidine, which is basic and polar, at codon 625 of the CDH23 protein (p.Arg625His). This variant is present in population databases (rs200907423, gnomAD 0.05%). This variant has not been reported in the literature in individuals affected with CDH23-related conditions. ClinVar contains an entry for this variant (Variation ID: 968565). An algorithm developed to predict the effect of missense changes on protein structure and function outputs the following: PolyPhen-2: "Not Available". The histidine amino acid residue is found in multiple mammalian species, which suggests that this missense change does not adversely affect protein function. In summary, the available evidence is currently insufficient to determine the role of this variant in disease. Therefore, it has been classified as a Variant of Uncertain Significance.

Fulgent Genetics
Classification: Uncertain significance for Usher syndrome type 1D; Autosomal recessive nonsyndromic hearing loss 12; Pituitary adenoma 5, multiple types. Last evaluated: 2021-10-14. Review status: criteria provided, single submitter. Criteria: ACMG Guidelines, 2015. Collection method: clinical testing. Allele origin: unknown.

Natera, Inc.
Classification: Uncertain significance for Usher syndrome type 1. Last evaluated: 2020-02-13. Review status: no assertion criteria provided. Collection method: clinical testing. Allele origin: germline. Not counted in ClinVar's aggregate classification.

NM_022124.6(CDH23):c.1874G>A (p.Arg625His)

Gene: CDH23 (cadherin related 23; plus strand). Cytogenetic location: 10q22.1.
Variant type: single nucleotide variant.
Coding change: c.1874G>A on transcript NM_022124.6 (MANE Select); coding-DNA position 1874, G replaced by A.
Protein change: p.Arg625His; replaces arginine 625 with histidine.
Molecular consequence: missense variant.
Genome position (GRCh38, 1-based): chr10:71,682,460, G>A. VCF-style: chr10-71682460-G-A. GRCh37 (hg19) VCF-style: chr10-73442217-G-A.
Other names: c.1874G>A, p.Arg625His (NM_001171930.2, NM_001171931.2); short protein forms R625H.
Identifiers: ClinVar variation 968565 (VCV000968565.8), dbSNP rs200907423, ClinGen allele CA5544011.
Genomic context (GRCh38, chr10:71,682,460, plus strand): 5'-TCAAGTCTGCTTACAGAGGGATCTGGCCTGTTCCTGTCATTGCAGTGATCAGCGTCAGTC[G>A]CCCCCTGGATTATGAACAGATATCCAATGGGCTGATTTATCTGACGGTCATGGCCATGGA-3'
Protein context (NP_071407.4, residues 615-635): YEGYGVISVS[Arg625His]PLDYEQISNG